The following is an entry in ClinVar:

ClinVar aggregate classification (germline): Pathogenic (1 of 4 stars; one submission).

Submission:

Quest Diagnostics Nichols Institute San Juan Capistrano
Classification: Pathogenic. Last evaluated: 2022-04-05. Review status: criteria provided, single submitter. Criteria: ACMG/ClinGen CNV Guidelines, 2019. Collection method: clinical testing. Allele origin: unknown.
Comment: The deletion of 17p12 includes the PMP22 (OMIM 601097), and it is associated with hereditary neuropathy with liability to pressure palsies (HNPP)(OMIM 162500), an autosomal dominant disorder characterized by repeated focal pressure neuropathies such as carpal tunnel syndrome and peroneal palsy with foot drop. Common presenting symptoms occur in adolescence or young adulthood. Approximately 80% of individuals with HNPP have inherited the pathogenic variant, however, some carriers of the deletion have few or no symptoms. See GeneReviews for additional information and references.

GRCh37/hg19 17p12(chr17:14087788-15484858)x1

Genes: CDRT15 (CMT1A duplicated region transcript 15; minus strand), CDRT4 (CMT1A duplicated region transcript 4; minus strand), COX10 (cytochrome c oxidase assembly factor heme A:farnesyltransferase COX10; plus strand), HS3ST3B1 (heparan sulfate-glucosamine 3-sulfotransferase 3B1; plus strand), PMP22 (peripheral myelin protein 22; minus strand) and 3 more. Cytogenetic location: 17p12.
Variant type: copy number loss.
Change: copy number 1 (one copy instead of two) of chr17:14,087,788-15,484,858 (1.40 Mb, GRCh37 coordinates, 1-based), cytogenetic band 17p12.
Identifiers: ClinVar variation 1807927 (VCV001807927.1).